The following is an entry in ClinVar:

ClinVar aggregate classification (germline): Uncertain significance (1 of 4 stars; one submission).

Conditions:
Amelocerebrohypohidrotic syndrome (KTZS). Also called: Kohlschutter's syndrome; EPILEPSY AND YELLOW TEETH; EPILEPSY, DEMENTIA, AND AMELOGENESIS IMPERFECTA; KOHLSCHUTTER SYNDROME. Identifiers: Orphanet 1946, MedGen C0406740, MONDO:0009185, OMIM 226750.

gnomAD v4.1: 2 of 1,575,692 alleles (0.00013%); highest among the groups gnomAD compares: Non-Finnish European, 0.00017%; no homozygotes.

Submission:

Labcorp Genetics (formerly Invitae), Labcorp
Classification: Uncertain significance for Amelocerebrohypohidrotic syndrome. Last evaluated: 2025-01-09. Review status: criteria provided, single submitter. Criteria: Invitae Variant Classification Sherloc (09022015). Collection method: clinical testing. Allele origin: germline.
Comment: This sequence change replaces threonine, which is neutral and polar, with isoleucine, which is neutral and non-polar, at codon 162 of the ROGDI protein (p.Thr162Ile). This variant is present in population databases (rs754416466, gnomAD 0.002%). This variant has not been reported in the literature in individuals affected with ROGDI-related conditions. ClinVar contains an entry for this variant (Variation ID: 1404573). An algorithm developed to predict the effect of missense changes on protein structure and function (PolyPhen-2) suggests that this variant is likely to be disruptive. In summary, the available evidence is currently insufficient to determine the role of this variant in disease. Therefore, it has been classified as a Variant of Uncertain Significance.

NM_024589.3(ROGDI):c.485C>T (p.Thr162Ile)

Gene: ROGDI (rogdi atypical leucine zipper; minus strand). Cytogenetic location: 16p13.3.
Variant type: single nucleotide variant.
Coding change: c.485C>T on transcript NM_024589.3 (MANE Select); coding-DNA position 485, C replaced by T.
Protein change: p.Thr162Ile; replaces threonine 162 with isoleucine.
Molecular consequence: missense variant. On other transcripts: non-coding transcript variant (1).
Genome position (GRCh38, 1-based): chr16:4,798,615, G>A on the plus strand (C>T on the coding strand, the complement: ROGDI is on the minus strand). VCF-style: chr16-4798615-G-A. GRCh37 (hg19) VCF-style: chr16-4848616-G-A.
Other names: short protein forms T162I.
Identifiers: ClinVar variation 1404573 (VCV001404573.6), dbSNP rs754416466, ClinGen allele CA7882694.